The following is an entry in ClinVar:

NM_001267550.2(TTN):c.91105A>C (p.Ile30369Leu)

Genes: TTN-AS1 (TTN antisense RNA 1; plus strand), TTN (titin; minus strand). Cytogenetic location: 2q31.2.
Variant type: single nucleotide variant.
Coding change: c.91105A>C on transcript NM_001267550.2 (MANE Select); coding-DNA position 91105, A replaced by C.
Protein change: p.Ile30369Leu; replaces isoleucine 30369 with leucine.
Molecular consequence: missense variant.
Genome position (GRCh38, 1-based): chr2:178,551,795, T>G on the plus strand (A>C on the coding strand, the complement: TTN is on the minus strand). VCF-style: chr2-178551795-T-G. GRCh37 (hg19) VCF-style: chr2-179416522-T-G.
Other names: p.I28728L:ATC>CTC; c.86182A>C, p.Ile28728Leu (NM_001256850.1); c.63910A>C, p.Ile21304Leu (NM_003319.4); c.83401A>C, p.Ile27801Leu (NM_133378.4); c.64285A>C, p.Ile21429Leu (NM_133432.3); c.64486A>C, p.Ile21496Leu (NM_133437.4); short protein forms I28728L, I30369L, I21429L, I27801L, I21496L, I21304L.
Identifiers: ClinVar variation 202975 (VCV000202975.5), dbSNP rs768987204, ClinGen allele CA310863.

ClinVar aggregate classification (germline): Uncertain significance. Review status: criteria provided, multiple submitters, no conflicts (2 of 4 stars). 2 submissions from 2 submitters: Uncertain significance (2). Last evaluated 2021-07-26.

Allele frequency attached by ClinVar (database versions not stated): ExAC 0.00001; gnomAD exomes 0.00002.
gnomAD v4.1: 5 of 1,613,858 alleles (0.00031%); highest among the groups gnomAD compares: Admixed American, 0.0083%; no homozygotes.

Submissions (2):

Revvity Omics, Revvity
Classification: Uncertain significance. Last evaluated: 2021-07-26. Review status: criteria provided, single submitter. Criteria: ACMG Guidelines, 2015. Collection method: clinical testing. Allele origin: germline.

GeneDx
Classification: Uncertain significance. Last evaluated: 2013-06-18. Review status: criteria provided, single submitter. Criteria: GeneDx Variant Classification (06012015). Collection method: clinical testing. Allele origin: germline. Affected: yes.
Comment: Missense variants in the TTN gene are considered 'unclassified' if they are not previously reported in the literature and do not have >1% frequency in the population to be considered a polymorphism. Research indicates that truncating mutations in the TTN gene are expected to account for approximately 25% of familial and 18% of sporadic idiopathic DCM; however, truncating variants in the TTN gene have been reported in approximately 3% of reported control alleles. There has been little investigation into non-truncating variants. (Herman D et al. Truncations of titin causing dilated cardiomyopathy. N Eng J Med 366:619-628, 2012) The variant is found in DCM panel(s).